The following is an entry in ClinVar:

NM_031475.3(ESPN):c.743C>T (p.Ala248Val)

Gene: ESPN (espin; plus strand). Cytogenetic location: 1p36.31.
Variant type: single nucleotide variant.
Coding change: c.743C>T on transcript NM_031475.3 (MANE Select); coding-DNA position 743, C replaced by T.
Protein change: p.Ala248Val; replaces alanine 248 with valine.
Molecular consequence: missense variant.
Genome position (GRCh38, 1-based): chr1:6,440,693, C>T. VCF-style: chr1-6440693-C-T. GRCh37 (hg19) VCF-style: chr1-6500753-C-T.
Other names: c.743C>T, p.Ala248Val (NM_001367473.1, NM_001367474.1); short protein forms A248V.
Identifiers: ClinVar variation 2157159 (VCV002157159.1), dbSNP rs769311195, ClinGen allele CA559985.
Genomic context (GRCh38, chr1:6,440,693, plus strand): 5'-GCACCGACGTGAGCCTGTCCGAGCAGGACAAAGACGGCGCCACCGCCATGCACTTCGCGG[C>T]GAGCCGCGGCCACACCAAGGTGCTCAGCTGGCTGCTGCTGCACGGCGGGGAGATCTCGGC-3'
Protein context (NP_113663.2, residues 238-258): KDGATAMHFA[Ala248Val]SRGHTKVLSW

ClinVar aggregate classification (germline): Uncertain significance (1 of 4 stars; one submission).

Allele frequency attached by ClinVar (database versions not stated): TOPMed below 0.00001; gnomAD 0.00001; ExAC 0.00011.
gnomAD v4.1: 17 of 1,539,106 alleles (0.0011%); highest among the groups gnomAD compares: Middle Eastern, 0.069%; 1 homozygote.

Submission:

Labcorp Genetics (formerly Invitae), Labcorp
Classification: Uncertain significance. Last evaluated: 2022-02-10. Review status: criteria provided, single submitter. Criteria: Invitae Variant Classification Sherloc (09022015). Collection method: clinical testing. Allele origin: germline.
Comment: This sequence change replaces alanine, which is neutral and non-polar, with valine, which is neutral and non-polar, at codon 248 of the ESPN protein (p.Ala248Val). The frequency data for this variant in the population databases is considered unreliable, as metrics indicate poor data quality at this position in the gnomAD database. This variant has not been reported in the literature in individuals affected with ESPN-related conditions. Algorithms developed to predict the effect of missense changes on protein structure and function are either unavailable or do not agree on the potential impact of this missense change (SIFT: "Deleterious"; PolyPhen-2: "Possibly Damaging"; Align-GVGD: "Class C0"). Algorithms developed to predict the effect of sequence changes on RNA splicing suggest that this variant may create or strengthen a splice site. In summary, the available evidence is currently insufficient to determine the role of this variant in disease. Therefore, it has been classified as a Variant of Uncertain Significance.